The following is an entry in ClinVar:

NM_018418.5(SPATA7):c.995T>C (p.Ile332Thr)

Gene: SPATA7 (spermatogenesis associated 7; plus strand). Cytogenetic location: 14q31.3.
Variant type: single nucleotide variant.
Coding change: c.995T>C on transcript NM_018418.5 (MANE Select); coding-DNA position 995, T replaced by C.
Protein change: p.Ile332Thr; replaces isoleucine 332 with threonine.
Molecular consequence: missense variant.
Genome position (GRCh38, 1-based): chr14:88,429,430, T>C. VCF-style: chr14-88429430-T-C. GRCh37 (hg19) VCF-style: chr14-88895774-T-C.
Other names: c.899T>C, p.Ile300Thr (NM_001040428.4); short protein forms I332T, I300T.
Identifiers: ClinVar variation 1450508 (VCV001450508.7), dbSNP rs534658921, ClinGen allele CA7298664.

ClinVar aggregate classification (germline): Uncertain significance. Review status: criteria provided, multiple submitters, no conflicts (2 of 4 stars). 3 submissions from 3 submitters: Uncertain significance (3). Last evaluated 2023-11-16.

Conditions:
Retinal dystrophy. Also called: Inherited retinal dystrophy. Identifiers: Orphanet 71862, MedGen C0854723, MeSH D058499, MONDO:0019118, HP:0000556.
Leber congenital amaurosis 3 (LCA3). Also called: SPATA7-Related Retinitis Pigmentosa. Identifiers: MedGen C1858677, MONDO:0011415, OMIM 604232.

Allele frequency attached by ClinVar (database versions not stated): gnomAD 0.00001; ExAC 0.00002; gnomAD exomes 0.00002 and 0.00004; TOPMed 0.00005; 1000 Genomes Project 30x 0.00031; 1000 Genomes Project 0.00040.
gnomAD v4.1: 30 of 1,612,436 alleles (0.0019%); highest among the groups gnomAD compares: East Asian, 0.045%; no homozygotes.

Submissions (3):

Blueprint Genetics
Classification: Uncertain significance. Last evaluated: 2023-11-16. Review status: criteria provided, single submitter. Criteria: ACMG Guidelines, 2015. Collection method: clinical testing. Allele origin: germline.

Dept Of Ophthalmology, Nagoya University
Classification: Uncertain significance for Retinal dystrophy. Last evaluated: 2023-10-01. Review status: criteria provided, single submitter. Criteria: Submitter's publication. Collection method: research. Allele origin: germline. Affected: yes.

Labcorp Genetics (formerly Invitae), Labcorp
Classification: Uncertain significance for Leber congenital amaurosis 3. Last evaluated: 2023-08-22. Review status: criteria provided, single submitter. Criteria: Invitae Variant Classification Sherloc (09022015). Collection method: clinical testing. Allele origin: germline.
Comment: In summary, the available evidence is currently insufficient to determine the role of this variant in disease. Therefore, it has been classified as a Variant of Uncertain Significance. Algorithms developed to predict the effect of missense changes on protein structure and function output the following: SIFT: "Not Available"; PolyPhen-2: "Benign"; Align-GVGD: "Not Available". The threonine amino acid residue is found in multiple mammalian species, which suggests that this missense change does not adversely affect protein function. ClinVar contains an entry for this variant (Variation ID: 1450508). This missense change has been observed in individual(s) with Leber congenital amaurosis (PMID: 21602930). This variant is present in population databases (rs534658921, gnomAD 0.05%). This sequence change replaces isoleucine, which is neutral and non-polar, with threonine, which is neutral and polar, at codon 332 of the SPATA7 protein (p.Ile332Thr).

Literature cited by the submitters: PubMed 21602930 (cited by Labcorp Genetics (formerly Invitae), Labcorp).